The following is an entry in ClinVar:

ClinVar aggregate classification (germline): Likely benign. Review status: criteria provided, multiple submitters, no conflicts (2 of 4 stars). 3 submissions from 3 submitters: Likely benign (2). 1 of the submissions does not count toward it. Last evaluated 2026-02-02.

Conditions:
Early-onset Lafora body disease. Also called: Epilepsy, progressive myoclonic, 10. Identifiers: Orphanet 324290, MedGen C4225258, MONDO:0014717, OMIM 616640.
PRDM8-related disorder. Also called: PRDM8-related condition.

Allele frequency attached by ClinVar (database versions not stated): ExAC 0.00003; ESP Exome Variant Server 0.00008; gnomAD 0.00011 and 0.00013.

Submissions (3):

Labcorp Genetics (formerly Invitae), Labcorp
Classification: Likely benign for Early-onset Lafora body disease. Last evaluated: 2026-02-02. Review status: criteria provided, single submitter. Criteria: Invitae Variant Classification Sherloc (09022015). Collection method: clinical testing. Allele origin: germline.

Blueprint Genetics
Classification: Likely benign. Last evaluated: 2024-11-06. Review status: criteria provided, single submitter. Criteria: ACMG Guidelines, 2015. Collection method: clinical testing. Allele origin: germline.

PreventionGenetics, part of Exact Sciences
Classification: Likely benign for PRDM8-related condition. Last evaluated: 2020-03-30. Review status: no assertion criteria provided. Collection method: clinical testing. Allele origin: germline. Not counted in ClinVar's aggregate classification.
Comment: This variant is classified as likely benign based on ACMG/AMP sequence variant interpretation guidelines (Richards et al. 2015 PMID: 25741868, with internal and published modifications).

NM_001099403.2(PRDM8):c.555T>G (p.Ala185=)

Genes: PRDM8 (PR/SET domain 8; plus strand), LOC126807094 (CDK7 strongly-dependent group 2 enhancer GRCh37_chr4:81121978-81123177; plus strand). Cytogenetic location: 4q21.21.
Variant type: single nucleotide variant.
Coding change: c.555T>G on transcript NM_001099403.2 (MANE Select); coding-DNA position 555, T replaced by G.
Protein change: p.Ala185=; no amino-acid change (alanine 185 retained).
Molecular consequence: synonymous variant.
Genome position (GRCh38, 1-based): chr4:80,202,017, T>G. VCF-style: chr4-80202017-T-G. GRCh37 (hg19) VCF-style: chr4-81123171-T-G.
Other names: c.555T>G, p.Ala185= (NM_020226.4); c.555T>G (NM_020226.3).
Identifiers: ClinVar variation 1087438 (VCV001087438.12), dbSNP rs377684484, ClinGen allele CA2982274.